The following is an entry in ClinVar:

NM_000051.4(ATM):c.30C>T (p.Ile10=)

Gene: ATM (ATM serine/threonine kinase; plus strand). Cytogenetic location: 11q22.3.
Variant type: single nucleotide variant.
Coding change: c.30C>T on transcript NM_000051.4 (MANE Select); coding-DNA position 30, C replaced by T.
Protein change: p.Ile10=; no amino-acid change (isoleucine 10 retained).
Molecular consequence: synonymous variant.
Genome position (GRCh38, 1-based): chr11:108,227,654, C>T. VCF-style: chr11-108227654-C-T. GRCh37 (hg19) VCF-style: chr11-108098381-C-T.
Other names: c.30C>T, p.Ile10= (NM_001351834.2, NM_001351835.2, NM_001351836.2).
Identifiers: ClinVar variation 1570105 (VCV001570105.9), dbSNP rs1591445856, ClinGen allele CA476667963.

ClinVar aggregate classification (germline): Benign/Likely benign. Review status: criteria provided, multiple submitters, no conflicts (2 of 4 stars). 2 submissions from 2 submitters: Benign (1); Likely benign (1). Last evaluated 2025-07-14.

Conditions:
Ataxia-telangiectasia syndrome (AT). Also called: ATAXIA-TELANGIECTASIA, COMPLEMENTATION GROUP A; Ataxia telangiectasia (A-T); Ataxia-telangiectasia, complementation group E; Ataxia-telangiectasia; Cerebello-oculocutaneous telangiectasia; Immunodeficiency with ataxia telangiectasia. Identifiers: Orphanet 100, MedGen C0004135, MONDO:0008840, OMIM 208900.
Familial cancer of breast. Also called: Hereditary breast cancer; BREAST CANCER, FAMILIAL; hereditary breast carcinoma. Identifiers: Orphanet 227535, MedGen C0346153, MONDO:0016419, OMIM 114480. Disease mechanism: loss of function.

Submissions (2):

Labcorp Genetics (formerly Invitae), Labcorp
Classification: Likely benign for Ataxia-telangiectasia syndrome. Last evaluated: 2025-07-14. Review status: criteria provided, single submitter. Criteria: Invitae Variant Classification Sherloc (09022015). Collection method: clinical testing. Allele origin: germline.

Myriad Genetics, Inc.
Classification: Benign for Familial cancer of breast. Last evaluated: 2024-04-16. Review status: criteria provided, single submitter. Criteria: Myriad Autosomal Dominant, Autosomal Recessive and X-Linked Classification Criteria (2023). Collection method: clinical testing. Allele origin: unknown.
Comment: This variant is considered benign. This variant is a silent/synonymous amino acid change and it is not expected to impact splicing.